The following is an entry in ClinVar:

NM_003680.4(YARS1):c.1531A>G (p.Met511Val)

Gene: YARS1 (tyrosyl-tRNA synthetase 1; minus strand). Cytogenetic location: 1p35.1.
Variant type: single nucleotide variant.
Coding change: c.1531A>G on transcript NM_003680.4 (MANE Select); coding-DNA position 1531, A replaced by G.
Protein change: p.Met511Val; replaces methionine 511 with valine.
Molecular consequence: missense variant.
Genome position (GRCh38, 1-based): chr1:32,776,037, T>C on the plus strand (A>G on the coding strand, the complement: YARS1 is on the minus strand). VCF-style: chr1-32776037-T-C. GRCh37 (hg19) VCF-style: chr1-33241638-T-C.
Other names: short protein forms M511V.
Identifiers: ClinVar variation 643209 (VCV000643209.12), dbSNP rs1569696187, ClinGen allele CA339678789.

ClinVar aggregate classification (germline): Uncertain significance. Review status: criteria provided, multiple submitters, no conflicts (2 of 4 stars). 3 submissions from 3 submitters: Uncertain significance (3). Last evaluated 2026-07-30.

Conditions:
Inborn genetic diseases. Identifiers: MedGen C0950123, MeSH D030342.
Charcot-Marie-Tooth disease dominant intermediate C (CMTDIC). Also called: CHARCOT-MARIE-TOOTH NEUROPATHY, DOMINANT INTERMEDIATE C. Identifiers: Orphanet 100045, MedGen C1842237, MONDO:0012012, OMIM 608323.
YARS1-related disorder. Also called: YARS1-related condition.

Allele frequency attached by ClinVar (database versions not stated): gnomAD exomes below 0.00001; gnomAD 0.00001; TOPMed 0.00001.
gnomAD v4.1: 7 of 1,614,068 alleles (0.00043%); highest among the groups gnomAD compares: Non-Finnish European, 0.00059%; no homozygotes.

Submissions (3):

PreventionGenetics, part of Exact Sciences
Classification: Uncertain significance for YARS1-related condition. Last evaluated: 2026-07-30. Review status: criteria provided, single submitter. Criteria: ACMG Guidelines, 2015. Collection method: clinical testing. Allele origin: germline.
Comment: The YARS1 c.1531A>G variant is predicted to result in the amino acid substitution p.Met511Val. To our knowledge, this variant has not been reported in the literature or in a large population database (gnomAD), indicating this variant is rare. At this time, the clinical significance of this variant is uncertain due to the absence of conclusive functional and genetic evidence.

Labcorp Genetics (formerly Invitae), Labcorp
Classification: Uncertain significance for Charcot-Marie-Tooth disease dominant intermediate C. Last evaluated: 2024-02-12. Review status: criteria provided, single submitter. Criteria: Invitae Variant Classification Sherloc (09022015). Collection method: clinical testing. Allele origin: germline.
Comment: This sequence change replaces methionine, which is neutral and non-polar, with valine, which is neutral and non-polar, at codon 511 of the YARS protein (p.Met511Val). This variant is not present in population databases (gnomAD no frequency). This variant has not been reported in the literature in individuals affected with YARS-related conditions. ClinVar contains an entry for this variant (Variation ID: 643209). Advanced modeling of protein sequence and biophysical properties (such as structural, functional, and spatial information, amino acid conservation, physicochemical variation, residue mobility, and thermodynamic stability) performed at Invitae indicates that this missense variant is not expected to disrupt YARS protein function with a negative predictive value of 80%. In summary, the available evidence is currently insufficient to determine the role of this variant in disease. Therefore, it has been classified as a Variant of Uncertain Significance.

Ambry Genetics
Classification: Uncertain significance for Inborn genetic diseases. Last evaluated: 2022-03-20. Review status: criteria provided, single submitter. Criteria: Ambry Variant Classification Scheme 2023. Collection method: clinical testing. Allele origin: germline.
Comment: The p.M511V variant (also known as c.1531A>G), located in coding exon 13 of the YARS gene, results from an A to G substitution at nucleotide position 1531. The methionine at codon 511 is replaced by valine, an amino acid with highly similar properties. This amino acid position is conserved. In addition, this alteration is predicted to be tolerated by in silico analysis. Since supporting evidence is limited at this time, the clinical significance of this alteration remains unclear.